The following is an entry in ClinVar:

ClinVar aggregate classification (germline): Benign/Likely benign. Review status: criteria provided, multiple submitters, no conflicts (2 of 4 stars). 9 submissions from 9 submitters: Benign (8); Likely benign (1). Last evaluated 2026-09-01.

Conditions:
MOGS-congenital disorder of glycosylation. Also called: CDG 2B; CDG IIb; GLUCOSIDASE I DEFICIENCY; MOGS-CDG. Identifiers: Orphanet 79330, MedGen C1853736, MONDO:0011629, OMIM 606056.

Allele frequency attached by ClinVar (database versions not stated): 1000 Genomes Project 30x 0.00515; 1000 Genomes Project 0.00559; TOPMed 0.00756; ESP Exome Variant Server 0.00847; ExAC 0.01070; gnomAD exomes 0.01122; gnomAD 0.01265.
gnomAD v4.1: 17,442 of 1,614,216 alleles (1.1%); highest among the groups gnomAD compares: Middle Eastern, 2.3%; 154 homozygotes.

Submissions (9):

CeGaT Center for Human Genetics Tuebingen
Classification: Benign. Last evaluated: 2026-09-01. Review status: criteria provided, single submitter. Criteria: CeGaT Center For Human Genetics Tuebingen Variant Classification Criteria Version 2. Collection method: clinical testing. Allele origin: germline. Affected: yes. Observed: 27 variant alleles.
Comment: MOGS: BP4, BS1, BS2

Women's Health and Genetics/Laboratory Corporation of America, LabCorp
Classification: Likely benign. Last evaluated: 2026-05-11. Review status: criteria provided, single submitter. Criteria: LabCorp Variant Classification Summary - May 2015. Collection method: clinical testing. Allele origin: germline.

Labcorp Genetics (formerly Invitae), Labcorp
Classification: Benign for MOGS-congenital disorder of glycosylation. Last evaluated: 2026-02-01. Review status: criteria provided, single submitter. Criteria: Invitae Variant Classification Sherloc (09022015). Collection method: clinical testing. Allele origin: germline.

ARUP Laboratories, Molecular Genetics and Genomics, ARUP Laboratories
Classification: Benign for MOGS-congenital disorder of glycosylation. Last evaluated: 2025-05-09. Review status: criteria provided, single submitter. Criteria: ARUP Molecular Germline Variant Investigation Process 2024. Collection method: clinical testing. Allele origin: germline.

Blueprint Genetics
Classification: Benign. Last evaluated: 2024-11-26. Review status: criteria provided, single submitter. Criteria: ACMG Guidelines, 2015. Collection method: clinical testing. Allele origin: germline.

Mayo Clinic Laboratories, Mayo Clinic
Classification: Benign. Last evaluated: 2024-09-13. Review status: criteria provided, single submitter. Criteria: ACMG Guidelines, 2015. Collection method: clinical testing. Allele origin: germline. Observed: 2 variant alleles.
Comment: BS1, BS2, BP4

GeneDx
Classification: Benign. Last evaluated: 2016-06-01. Review status: criteria provided, single submitter. Criteria: GeneDx Variant Classification (06012015). Collection method: clinical testing. Allele origin: germline. Affected: yes.
Comment: This variant is considered likely benign or benign based on one or more of the following criteria: it is a conservative change, it occurs at a poorly conserved position in the protein, it is predicted to be benign by multiple in silico algorithms, and/or has population frequency not consistent with disease.

Genomic Diagnostic Laboratory, Division of Genomic Diagnostics, Children's Hospital of Philadelphia
Classification: Benign. Last evaluated: 2015-02-19. Review status: criteria provided, single submitter. Criteria: DGD Variant Analysis Guidelines. Collection method: clinical testing. Allele origin: unknown.

Breakthrough Genomics
Classification: Benign. Review status: criteria provided, single submitter. Criteria: ACMG Guidelines, 2015. Collection method: not provided. Allele origin: germline. Inheritance: Autosomal recessive inheritance. Affected: yes.

NM_006302.3(MOGS):c.2017G>A (p.Val673Ile)

Gene: MOGS (mannosyl-oligosaccharide glucosidase; minus strand). Cytogenetic location: 2p13.1.
Variant type: single nucleotide variant.
Coding change: c.2017G>A on transcript NM_006302.3 (MANE Select); coding-DNA position 2017, G replaced by A.
Protein change: p.Val673Ile; replaces valine 673 with isoleucine.
Molecular consequence: missense variant.
Genome position (GRCh38, 1-based): chr2:74,461,772, C>T on the plus strand (G>A on the coding strand, the complement: MOGS is on the minus strand). VCF-style: chr2-74461772-C-T. GRCh37 (hg19) VCF-style: chr2-74688899-C-T.
Other names: p.Val673Ile; c.2017G>A, p.Val673Ile (LRG_1226t1); c.1699G>A, p.Val567Ile (NM_001146158.2); short protein forms V673I, V567I.
Identifiers: ClinVar variation 218681 (VCV000218681.45), dbSNP rs114933392, ClinGen allele CA249205.
Genomic context (GRCh38, chr2:74,461,772, plus strand): 5'-TGACATAGCCAAGAGCATCTACATACTGCAGTTGAGGTTGGGGCCGACCCACCACCCGAA[C>T]GAGCCCCTGAGGGGGCCTGGGCTTCAGCTGTACTGCTTTTGTGTGGTTCCCAAAGTCTGC-3'
Protein context (NP_006293.2, residues 663-683): QLKPRPPQGL[Val673Ile]RVVGRPQPQL